The following is an entry in ClinVar:

NM_003803.4(MYOM1):c.4607G>A (p.Gly1536Asp)

Gene: MYOM1 (myomesin 1; minus strand). Cytogenetic location: 18p11.31.
Variant type: single nucleotide variant.
Coding change: c.4607G>A on transcript NM_003803.4 (MANE Select); coding-DNA position 4607, G replaced by A.
Protein change: p.Gly1536Asp; replaces glycine 1536 with aspartic acid.
Molecular consequence: missense variant.
Genome position (GRCh38, 1-based): chr18:3,079,220, C>T on the plus strand (G>A on the coding strand, the complement: MYOM1 is on the minus strand). VCF-style: chr18-3079220-C-T. GRCh37 (hg19) VCF-style: chr18-3079218-C-T.
Other names: c.4319G>A, p.Gly1440Asp (NM_019856.2); short protein forms G1536D, G1440D.
Identifiers: ClinVar variation 2787298 (VCV002787298.3), dbSNP rs2510472268, ClinGen allele CA401708026.
Genomic context (GRCh38, chr18:3,079,220, plus strand): 5'-CTGCAAAATATCTGTTTACCTTGTCCAGAGAGATCCACTGTCTTCTGATGTCCAGTTTTG[C>T]CATCAAAGAGCTCCATGACATACTTCCCTTTGTCATTCGGGGTGGGCTCGTTGATTTGTA-3'
Protein context (NP_003794.3, residues 1526-1546): KGKYVMELFD[Gly1536Asp]KTGHQKTVDL

ClinVar aggregate classification (germline): Uncertain significance (1 of 4 stars; one submission).

Conditions:
Hypertrophic cardiomyopathy. Also called: HYPERTROPHIC MYOCARDIOPATHY. Identifiers: Orphanet 217569, MedGen C0007194, MeSH D002312, MONDO:0005045, HP:0001639.

Submission:

Labcorp Genetics (formerly Invitae), Labcorp
Classification: Uncertain significance for Hypertrophic cardiomyopathy. Last evaluated: 2023-05-29. Review status: criteria provided, single submitter. Criteria: Invitae Variant Classification Sherloc (09022015). Collection method: clinical testing. Allele origin: germline.
Comment: In summary, the available evidence is currently insufficient to determine the role of this variant in disease. Therefore, it has been classified as a Variant of Uncertain Significance. Advanced modeling of protein sequence and biophysical properties (such as structural, functional, and spatial information, amino acid conservation, physicochemical variation, residue mobility, and thermodynamic stability) performed at Invitae indicates that this missense variant is not expected to disrupt MYOM1 protein function. This variant has not been reported in the literature in individuals affected with MYOM1-related conditions. This variant is not present in population databases (gnomAD no frequency). This sequence change replaces glycine, which is neutral and non-polar, with aspartic acid, which is acidic and polar, at codon 1536 of the MYOM1 protein (p.Gly1536Asp).